The following is an entry in ClinVar:

ClinVar aggregate classification (germline): Likely benign. Review status: criteria provided, multiple submitters, no conflicts (2 of 4 stars). 2 submissions from 2 submitters: Likely benign (2). Last evaluated 2026-09-18.

Conditions:
GNS-related disorder. Also called: GNS-related condition.
Mucopolysaccharidosis, MPS-III-D (MPS3D). Also called: MPS III D; Mucopoly-saccharidosis type 3D; N-acetylglucosamine-6-sulfate sulfatase deficiency; MPS 3D; N-ACETYLGLUCOSAMINE-6-SULFATASE DEFICIENCY; SANFILIPPO SYNDROME D. Identifiers: Orphanet 581, Orphanet 79272, MedGen C0086650, MONDO:0009658, OMIM 252940.

Allele frequency attached by ClinVar (database versions not stated): gnomAD exomes below 0.00001; ESP Exome Variant Server 0.00008.

Submissions (2):

PreventionGenetics, part of Exact Sciences
Classification: Likely benign for GNS-related condition. Last evaluated: 2026-09-18. Review status: criteria provided, single submitter. Criteria: ACMG Guidelines, 2015. Collection method: clinical testing. Allele origin: germline.
Comment: This variant is classified as likely benign based on ACMG/AMP sequence variant interpretation guidelines (Richards et al. 2015 PMID: 25741868, with internal and published modifications).

Labcorp Genetics (formerly Invitae), Labcorp
Classification: Likely benign for Mucopolysaccharidosis, MPS-III-D. Last evaluated: 2023-11-19. Review status: criteria provided, single submitter. Criteria: Invitae Variant Classification Sherloc (09022015). Collection method: clinical testing. Allele origin: germline.

NM_002076.4(GNS):c.300A>G (p.Thr100=)

Gene: GNS (glucosamine (N-acetyl)-6-sulfatase; minus strand). Cytogenetic location: 12q14.3.
Variant type: single nucleotide variant.
Coding change: c.300A>G on transcript NM_002076.4 (MANE Select); coding-DNA position 300, A replaced by G.
Protein change: p.Thr100=; no amino-acid change (threonine 100 retained).
Molecular consequence: synonymous variant.
Genome position (GRCh38, 1-based): chr12:64,747,871, T>C on the plus strand (A>G on the coding strand, the complement: GNS is on the minus strand). VCF-style: chr12-64747871-T-C. GRCh37 (hg19) VCF-style: chr12-65141651-T-C.
Other names: c.300A>G (NM_002076.3).
Identifiers: ClinVar variation 1107512 (VCV001107512.10), dbSNP rs370542872, ClinGen allele CA238292840.